The following is an entry in ClinVar:

NM_130384.3(ATRIP):c.1319C>T (p.Ala440Val)

Genes: ATRIP (ATR interacting protein; plus strand), ATRIP-TREX1 (ATRIP-TREX1 readthrough; plus strand). Cytogenetic location: 3p21.31.
Variant type: single nucleotide variant.
Coding change: c.1319C>T on transcript NM_130384.3 (MANE Select); coding-DNA position 1319, C replaced by T.
Protein change: p.Ala440Val; replaces alanine 440 with valine.
Molecular consequence: missense variant. On other transcripts: non-coding transcript variant (1).
Genome position (GRCh38, 1-based): chr3:48,460,373, C>T. VCF-style: chr3-48460373-C-T. GRCh37 (hg19) VCF-style: chr3-48501772-C-T.
Other names: c.938C>T, p.Ala313Val (NM_001271022.2); c.1040C>T, p.Ala347Val (NM_001271023.2); c.1319C>T, p.Ala440Val (NM_032166.4); short protein forms A313V, A347V, A440V.
Identifiers: ClinVar variation 4867219 (VCV004867219.1).

ClinVar aggregate classification (germline): Uncertain significance (1 of 4 stars; one submission).

Submission:

Ambry Genetics
Classification: Uncertain significance. Last evaluated: 2026-04-19. Review status: criteria provided, single submitter. Criteria: Ambry Variant Classification Scheme 2023. Collection method: clinical testing. Allele origin: germline.
Comment: The p.A440V variant (also known as c.1319C>T), located in coding exon 8 of the ATRIP gene, results from a C to T substitution at nucleotide position 1319. The alanine at codon 440 is replaced by valine, an amino acid with similar properties. This amino acid position is conserved. In addition, this alteration is predicted to be tolerated by in silico analysis. Based on the available evidence, the clinical significance of this variant remains unclear.